The following is an entry in ClinVar:

NM_147127.5(EVC2):c.1471-6C>T

Gene: EVC2 (EvC ciliary complex subunit 2; minus strand). Cytogenetic location: 4p16.2.
Variant type: single nucleotide variant.
Coding change: c.1471-6C>T on transcript NM_147127.5 (MANE Select); 6 bases into the intron before coding-DNA position 1471, C replaced by T.
Molecular consequence: intron variant.
Genome position (GRCh38, 1-based): chr4:5,632,038, G>A on the plus strand (C>T on the coding strand, the complement: EVC2 is on the minus strand). VCF-style: chr4-5632038-G-A. GRCh37 (hg19) VCF-style: chr4-5633765-G-A.
Other names: c.1231-6C>T (NM_001166136.2).
Identifiers: ClinVar variation 283377 (VCV000283377.30), dbSNP rs115466792, ClinGen allele CA2835035.
Genomic context (GRCh38, chr4:5,632,038, plus strand): 5'-GCTCCTGTTCCAGGCCATGGAGGGTCCGCAGAAGGTTGCTGCACTCTACAGCAGACTGGA[G>A]AGAGGAAAGGGAGAGCGTGAGAAACTGACACACTGAACATGCACCTACATGTGCATGCAA-3'

ClinVar aggregate classification (germline): Conflicting classifications of pathogenicity. Review status: criteria provided, conflicting classifications (1 of 4 stars). 8 submissions from 8 submitters: Uncertain significance (1); Benign (1); Likely benign (6). Last evaluated 2026-01-25.

Conditions:
EVC2-related disorder. Also called: EVC2-related condition.
Curry-Hall syndrome (WAD). Also called: WEYERS ACRODENTAL DYSOSTOSIS. Identifiers: Orphanet 952, MedGen C0457013, MONDO:0008673, OMIM 193530.
Ellis-van Creveld syndrome (EVC). Also called: Chondroectodermal dysplasia; MESOECTODERMAL DYSPLASIA. Identifiers: Orphanet 289, MedGen C0013903, MONDO:0009162, OMIM 225500.

Allele frequency attached by ClinVar (database versions not stated): gnomAD exomes 0.00017 and 0.00041; ExAC 0.00056; 1000 Genomes Project 30x 0.00125; gnomAD 0.00155 and 0.00162; 1000 Genomes Project 0.00160; TOPMed 0.00172; ESP Exome Variant Server 0.00177.
gnomAD v4.1: 486 of 1,613,856 alleles (0.03%); highest among the groups gnomAD compares: African/African-American, 0.59%; 3 homozygotes.

Submissions (8):

Labcorp Genetics (formerly Invitae), Labcorp
Classification: Benign for Curry-Hall syndrome; Ellis-van Creveld syndrome. Last evaluated: 2026-01-25. Review status: criteria provided, single submitter. Criteria: Invitae Variant Classification Sherloc (09022015). Collection method: clinical testing. Allele origin: germline.

CeGaT Center for Human Genetics Tuebingen
Classification: Likely benign. Last evaluated: 2025-09-01. Review status: criteria provided, single submitter. Criteria: CeGaT Center For Human Genetics Tuebingen Variant Classification Criteria Version 2. Collection method: clinical testing. Allele origin: germline. Affected: yes. Observed: 1 variant allele.
Comment: EVC2: BP4, BS2

PreventionGenetics, part of Exact Sciences
Classification: Likely benign for EVC2-related condition. Last evaluated: 2025-07-01. Review status: criteria provided, single submitter. Criteria: ACMG Guidelines, 2015. Collection method: clinical testing. Allele origin: germline.
Comment: This variant is classified as likely benign based on ACMG/AMP sequence variant interpretation guidelines (Richards et al. 2015 PMID: 25741868, with internal and published modifications).

GeneDx
Classification: Uncertain significance. Last evaluated: 2024-12-23. Review status: criteria provided, single submitter. Criteria: GeneDx Variant Classification Process June 2021. Collection method: clinical testing. Allele origin: germline.
Comment: In silico analysis indicates that this variant does not alter splicing; Has not been previously published as pathogenic or benign to our knowledge

Blueprint Genetics
Classification: Likely benign. Last evaluated: 2024-08-28. Review status: criteria provided, single submitter. Criteria: ACMG Guidelines, 2015. Collection method: clinical testing. Allele origin: germline.

ARUP Laboratories, Molecular Genetics and Genomics, ARUP Laboratories
Classification: Likely benign. Last evaluated: 2024-06-21. Review status: criteria provided, single submitter. Criteria: ARUP Molecular Germline Variant Investigation Process 2024. Collection method: clinical testing. Allele origin: germline.

Fulgent Genetics
Classification: Likely benign for Curry-Hall syndrome; Ellis-van Creveld syndrome. Last evaluated: 2022-04-05. Review status: criteria provided, single submitter. Criteria: ACMG Guidelines, 2015. Collection method: clinical testing. Allele origin: unknown.

Eurofins Ntd Llc (ga)
Classification: Likely benign. Last evaluated: 2015-10-12. Review status: criteria provided, single submitter. Criteria: EGL Classification Definitions 2015. Collection method: clinical testing. Allele origin: germline. Observed: 1 variant allele, 1 heterozygote.